The following is an entry in ClinVar:

NM_000264.5(PTCH1):c.1503+4C>T

Gene: PTCH1 (patched 1; minus strand). Cytogenetic location: 9q22.32.
Variant type: single nucleotide variant.
Coding change: c.1503+4C>T on transcript NM_000264.5 (MANE Select); 4 bases into the intron after coding-DNA position 1503, C replaced by T.
Molecular consequence: intron variant.
Genome position (GRCh38, 1-based): chr9:95,477,543, G>A on the plus strand (C>T on the coding strand, the complement: PTCH1 is on the minus strand). VCF-style: chr9-95477543-G-A. GRCh37 (hg19) VCF-style: chr9-98239825-G-A.
Other names: c.1500+4C>T (NM_001083603.3); c.1305+4C>T (NM_001083602.3); c.1347+512C>T (NM_001354918.2); c.1050+4C>T (NM_001083605.3, NM_001083604.3, NM_001083606.3 and 1 more transcripts).
Identifiers: ClinVar variation 3427206 (VCV003427206.1).

ClinVar aggregate classification (germline): Uncertain significance (1 of 4 stars; one submission).

Conditions:
Hereditary cancer-predisposing syndrome. Also called: Neoplastic Syndromes, Hereditary; Tumor predisposition; Hereditary Cancer Syndrome; Hereditary neoplastic syndrome. Identifiers: Orphanet 140162, MedGen C0027672, MeSH D009386, MONDO:0015356.

gnomAD v4.1: 4 of 1,614,144 alleles (0.00025%); highest among the groups gnomAD compares: South Asian, 0.0033%; no homozygotes.

Submission:

Ambry Genetics
Classification: Uncertain significance for Hereditary cancer-predisposing syndrome. Last evaluated: 2024-12-06. Review status: criteria provided, single submitter. Criteria: Ambry Variant Classification Scheme 2023. Collection method: clinical testing. Allele origin: germline.
Comment: The c.1503+4C>T intronic variant results from a C to T substitution 4 nucleotides after coding exon 10 in the PTCH1 gene. This nucleotide position is well conserved in available vertebrate species. In silico splice site analysis predicts that this alteration will not have any significant effect on splicing. Based on the available evidence, the clinical significance of this variant remains unclear.